The following is an entry in ClinVar:

NM_004608.4(TBX6):c.1075G>A (p.Ala359Thr)

Gene: TBX6 (T-box transcription factor 6; minus strand). Cytogenetic location: 16p11.2.
Variant type: single nucleotide variant.
Coding change: c.1075G>A on transcript NM_004608.4 (MANE Select); coding-DNA position 1075, G replaced by A.
Protein change: p.Ala359Thr; replaces alanine 359 with threonine.
Molecular consequence: missense variant.
Genome position (GRCh38, 1-based): chr16:30,086,534, C>T on the plus strand (G>A on the coding strand, the complement: TBX6 is on the minus strand). VCF-style: chr16-30086534-C-T. GRCh37 (hg19) VCF-style: chr16-30097855-C-T.
Other names: short protein forms A359T.
Identifiers: ClinVar variation 3697063 (VCV003697063.2).
Genomic context (GRCh38, chr16:30,086,534, plus strand): 5'-GGGACCCGCAGCCCCGCCTGGTCCCCTGTCCCACTCACCTGGTGGGAAGGTGACTGGGGG[C>T]CCCATGGAAAGCCGCAGGGTGCAGGAGGTAGGCCTCAGCACTGGGGCCACCACACAGAGG-3'
Protein context (NP_004599.2, residues 349-369): YLLHPAAFHG[Ala359Thr]PSHLPTRSPS

ClinVar aggregate classification (germline): Uncertain significance (1 of 4 stars; one submission).

Submission:

Labcorp Genetics (formerly Invitae), Labcorp
Classification: Uncertain significance. Last evaluated: 2024-03-28. Review status: criteria provided, single submitter. Criteria: Invitae Variant Classification Sherloc (09022015). Collection method: clinical testing. Allele origin: germline.
Comment: This sequence change replaces alanine, which is neutral and non-polar, with threonine, which is neutral and polar, at codon 359 of the TBX6 protein (p.Ala359Thr). This variant is not present in population databases (gnomAD no frequency). This variant has not been reported in the literature in individuals affected with TBX6-related conditions. Advanced modeling of protein sequence and biophysical properties (such as structural, functional, and spatial information, amino acid conservation, physicochemical variation, residue mobility, and thermodynamic stability) performed at Invitae indicates that this missense variant is not expected to disrupt TBX6 protein function with a negative predictive value of 80%. In summary, the available evidence is currently insufficient to determine the role of this variant in disease. Therefore, it has been classified as a Variant of Uncertain Significance.